The following is an entry in ClinVar:

NM_018714.3(COG1):c.1A>G (p.Met1Val)

Genes: COG1 (component of oligomeric golgi complex 1; plus strand), LOC130061576 (ATAC-STARR-seq lymphoblastoid active region 12690; plus strand). Cytogenetic location: 17q25.1.
Variant type: single nucleotide variant.
Coding change: c.1A>G on transcript NM_018714.3 (MANE Select); coding-DNA position 1, A replaced by G.
Protein change: p.Met1Val; changes the start codon (methionine 1).
Molecular consequence: missense variant, initiator codon variant.
Genome position (GRCh38, 1-based): chr17:73,193,070, A>G. VCF-style: chr17-73193070-A-G. GRCh37 (hg19) VCF-style: chr17-71189209-A-G.
Other names: short protein forms M1V.
Identifiers: ClinVar variation 1937474 (VCV001937474.6), dbSNP rs772435977, ClinGen allele CA400878902.

ClinVar aggregate classification (germline): Uncertain significance (1 of 4 stars; one submission).

Conditions:
COG1 congenital disorder of glycosylation (CDG2G). Also called: CONGENITAL DISORDER OF GLYCOSYLATION, TYPE IIg; CDG IIg; CDGII/COG1 CEREBROCOSTOMANDIBULAR-LIKE SYNDROME. Identifiers: Orphanet 263508, MedGen C2931011, MONDO:0012637, OMIM 611209.

Submission:

Labcorp Genetics (formerly Invitae), Labcorp
Classification: Uncertain significance for COG1 congenital disorder of glycosylation. Last evaluated: 2022-05-21. Review status: criteria provided, single submitter. Criteria: Invitae Variant Classification Sherloc (09022015). Collection method: clinical testing. Allele origin: germline.
Comment: This variant is present in population databases (no rsID available, gnomAD 0.006%). This sequence change affects the initiator methionine of the COG1 mRNA. The next in-frame methionine is located at codon 51. This variant has not been reported in the literature in individuals affected with COG1-related conditions. In summary, the available evidence is currently insufficient to determine the role of this variant in disease. Therefore, it has been classified as a Variant of Uncertain Significance. Experimental studies and prediction algorithms are not available or were not evaluated, and the functional significance of this variant is currently unknown.